The following is an entry in ClinVar:

ClinVar aggregate classification (germline): Likely pathogenic (1 of 4 stars; one submission).

Conditions:
Developmental and epileptic encephalopathy 103 (DEE103). Identifiers: MedGen C5677002, MONDO:0030957, OMIM 619913.

Submission:

Institute of Human Genetics, FAU Erlangen, Friedrich-Alexander-Universität Erlangen-Nürnberg
Classification: Likely pathogenic for Developmental and epileptic encephalopathy 103. Last evaluated: 2024-03-13. Review status: criteria provided, single submitter. Criteria: Hauer et al. (Genet Med. 2018). Collection method: clinical testing. Allele origin: germline. Inheritance: Autosomal dominant inheritance. Affected: yes. Observed: 1 variant allele.
Comment: This variant has been identified by standard clinical testing. Selected ACMG criteria: Likely pathogenic (II):PP3;PP2;PM2;PS2

NM_139137.4(KCNC2):c.487G>A (p.Glu163Lys)

Gene: KCNC2 (potassium voltage-gated channel subfamily C member 2; minus strand). Cytogenetic location: 12q21.1.
Variant type: single nucleotide variant.
Coding change: c.487G>A on transcript NM_139137.4 (MANE Select); coding-DNA position 487, G replaced by A.
Protein change: p.Glu163Lys; replaces glutamic acid 163 with lysine.
Molecular consequence: missense variant. On other transcripts: non-coding transcript variant (2).
Genome position (GRCh38, 1-based): chr12:75,207,497, C>T on the plus strand (G>A on the coding strand, the complement: KCNC2 is on the minus strand). VCF-style: chr12-75207497-C-T. GRCh37 (hg19) VCF-style: chr12-75601277-C-T.
Other names: c.487G>A, p.Glu163Lys (NM_001260497.2, NM_001260498.2, NM_001260499.2 and 13 more transcripts); short protein forms E163K.
Identifiers: ClinVar variation 3061800 (VCV003061800.1), dbSNP rs2548168192, ClinGen allele CA385785786.